The following is an entry in ClinVar:

ClinVar aggregate classification (germline): Uncertain significance (1 of 4 stars; one submission).

Submission:

GeneDx
Classification: Uncertain significance. Last evaluated: 2024-08-28. Review status: criteria provided, single submitter. Criteria: GeneDx Variant Classification Process June 2021. Collection method: clinical testing. Allele origin: germline. Affected: yes.
Comment: Not observed at significant frequency in large population cohorts (gnomAD); In silico analysis supports that this missense variant has a deleterious effect on protein structure/function; Has not been previously published as pathogenic or benign to our knowledge

NM_001330288.2(SMARCC2):c.233T>A (p.Ile78Asn)

Gene: SMARCC2 (SWI/SNF related BAF chromatin remodeling complex subunit C2; minus strand). Cytogenetic location: 12q13.2.
Variant type: single nucleotide variant.
Coding change: c.233T>A on transcript NM_001330288.2 (MANE Select); coding-DNA position 233, T replaced by A.
Protein change: p.Ile78Asn; replaces isoleucine 78 with asparagine.
Molecular consequence: missense variant.
Genome position (GRCh38, 1-based): chr12:56,186,239, A>T on the plus strand (T>A on the coding strand, the complement: SMARCC2 is on the minus strand). VCF-style: chr12-56186239-A-T. GRCh37 (hg19) VCF-style: chr12-56580023-A-T.
Other names: c.233T>A, p.Ile78Asn (NM_001130420.3, NM_003075.5, NM_139067.4); short protein forms I78N.
Identifiers: ClinVar variation 3765944 (VCV003765944.1).
Genomic context (GRCh38, chr12:56,186,239, plus strand): 5'-TAGGCAGCTGCAAGAATGTGGCACAAGGAGCCTCCCGCTTTGAAATCTAGGAAACATTTG[A>T]TCTACAAAATCAAGATACGGAAAAAGCATGTCAAGGTTCCACTGTAAATTCTCTCATCAC-3'
Protein context (NP_001317217.1, residues 68-88): VSNAPLTKLP[Ile78Asn]KCFLDFKAGG